The following is an entry in ClinVar:

ClinVar aggregate classification (germline): Uncertain significance (0 of 4 stars; one submission).

Conditions:
CLTCL1-related disorder. Also called: CLTCL1-related condition.

Submission:

PreventionGenetics, part of Exact Sciences
Classification: Uncertain significance for CLTCL1-related condition. Last evaluated: 2024-04-23. Review status: no assertion criteria provided. Collection method: clinical testing. Allele origin: germline.
Comment: The CLTCL1 c.2403G>C variant is predicted to result in the amino acid substitution p.Glu801Asp. To our knowledge, this variant has not been reported in the literature or in a large population database, indicating this variant is rare. At this time, the clinical significance of this variant is uncertain due to the absence of conclusive functional and genetic evidence.

NM_007098.4(CLTCL1):c.2403G>C (p.Glu801Asp)

Gene: CLTCL1 (clathrin heavy chain like 1; minus strand). Cytogenetic location: 22q11.21.
Variant type: single nucleotide variant.
Coding change: c.2403G>C on transcript NM_007098.4 (MANE Select); coding-DNA position 2403, G replaced by C.
Protein change: p.Glu801Asp; replaces glutamic acid 801 with aspartic acid.
Molecular consequence: missense variant.
Genome position (GRCh38, 1-based): chr22:19,222,699, C>G on the plus strand (G>C on the coding strand, the complement: CLTCL1 is on the minus strand). VCF-style: chr22-19222699-C-G. GRCh37 (hg19) VCF-style: chr22-19210222-C-G.
Other names: c.2403G>C, p.Glu801Asp (NM_001835.4); short protein forms E801D.
Identifiers: ClinVar variation 3358185 (VCV003358185.1).